The following is an entry in ClinVar:

ClinVar aggregate classification (germline): Benign/Likely benign. Review status: criteria provided, multiple submitters, no conflicts (2 of 4 stars). 3 submissions from 3 submitters: Benign (1); Likely benign (1). 1 of the submissions does not count toward it. Last evaluated 2026-01-01.

Conditions:
ALBUMIN MEXICO 2.

Allele frequency attached by ClinVar (database versions not stated): gnomAD exomes 0.00113 and 0.00022; gnomAD 0.00012 and 0.00013; TOPMed 0.00044; ExAC 0.00098.
gnomAD v4.1: 328 of 1,613,758 alleles (0.02%); highest among the groups gnomAD compares: Admixed American, 0.54%; 2 homozygotes.

Submissions (3):

CeGaT Center for Human Genetics Tuebingen
Classification: Likely benign. Last evaluated: 2026-01-01. Review status: criteria provided, single submitter. Criteria: CeGaT Center For Human Genetics Tuebingen Variant Classification Criteria Version 2. Collection method: clinical testing. Allele origin: germline. Affected: yes. Observed: 1 variant allele.
Comment: ALB: BP4, BS2

Labcorp Genetics (formerly Invitae), Labcorp
Classification: Benign. Last evaluated: 2025-12-28. Review status: criteria provided, single submitter. Criteria: Invitae Variant Classification Sherloc (09022015). Collection method: clinical testing. Allele origin: germline.

OMIM
Classification: other for ALBUMIN MEXICO 2. Last evaluated: 2019-07-18. Review status: no assertion criteria provided. Collection method: literature only. Allele origin: germline. Not counted in ClinVar's aggregate classification.

Literature cited by the submitters: PubMed 6933567 (cited by OMIM); PubMed 3474609 (cited by OMIM).

NM_000477.7(ALB):c.1721A>G (p.Asp574Gly)

Gene: ALB (albumin; plus strand). Cytogenetic location: 4q13.3.
Variant type: single nucleotide variant.
Coding change: c.1721A>G on transcript NM_000477.7 (MANE Select); coding-DNA position 1721, A replaced by G.
Protein change: p.Asp574Gly; replaces aspartic acid 574 with glycine.
Molecular consequence: missense variant.
Genome position (GRCh38, 1-based): chr4:73,419,575, A>G. VCF-style: chr4-73419575-A-G. GRCh37 (hg19) VCF-style: chr4-74285292-A-G.
Other names: D550G; short protein forms D574G.
Identifiers: ClinVar variation 18204 (VCV000018204.10), dbSNP rs79738788, ClinGen allele CA127916.